The following is an entry in ClinVar:

NM_016169.4(SUFU):c.196G>T (p.Asp66Tyr)

Gene: SUFU (SUFU negative regulator of hedgehog signaling; plus strand). Cytogenetic location: 10q24.32.
Variant type: single nucleotide variant.
Coding change: c.196G>T on transcript NM_016169.4 (MANE Select); coding-DNA position 196, G replaced by T.
Protein change: p.Asp66Tyr; replaces aspartic acid 66 with tyrosine.
Molecular consequence: missense variant.
Genome position (GRCh38, 1-based): chr10:102,509,182, G>T. VCF-style: chr10-102509182-G-T. GRCh37 (hg19) VCF-style: chr10-104268939-G-T.
Other names: c.196G>T, p.Asp66Tyr (NM_001178133.2); short protein forms D66Y.
Identifiers: ClinVar variation 3373540 (VCV003373540.1).

ClinVar aggregate classification (germline): Uncertain significance (1 of 4 stars; one submission).

Submission:

GeneDx
Classification: Uncertain significance. Last evaluated: 2024-02-29. Review status: criteria provided, single submitter. Criteria: GeneDx Variant Classification Process June 2021. Collection method: clinical testing. Allele origin: germline. Affected: yes.
Comment: Not observed at significant frequency in large population cohorts (gnomAD); In silico analysis supports that this missense variant has a deleterious effect on protein structure/function; Has not been previously published as pathogenic or benign to our knowledge; This variant is associated with the following publications: (PMID: 24311597)